The following is an entry in ClinVar:

ClinVar aggregate classification (germline): Uncertain significance (1 of 4 stars; one submission).

Conditions:
Hereditary cancer-predisposing syndrome. Also called: Tumor predisposition; Neoplastic Syndromes, Hereditary; Hereditary Cancer Syndrome; Hereditary neoplastic syndrome. Identifiers: Orphanet 140162, MedGen C0027672, MeSH D009386, MONDO:0015356.

Submission:

Ambry Genetics
Classification: Uncertain significance for Hereditary cancer-predisposing syndrome. Last evaluated: 2024-11-26. Review status: criteria provided, single submitter. Criteria: Ambry Variant Classification Scheme 2023. Collection method: clinical testing. Allele origin: germline.
Comment: The p.N293I variant (also known as c.878A>T), located in coding exon 6 of the BRIP1 gene, results from an A to T substitution at nucleotide position 878. The asparagine at codon 293 is replaced by isoleucine, an amino acid with dissimilar properties. This amino acid position is highly conserved in available vertebrate species. In addition, this alteration is predicted to be tolerated by in silico analysis. Based on the available evidence, the clinical significance of this variant remains unclear.

NM_032043.3(BRIP1):c.878A>T (p.Asn293Ile)

Gene: BRIP1 (BRCA1 interacting DNA helicase 1; minus strand). Cytogenetic location: 17q23.2.
Variant type: single nucleotide variant.
Coding change: c.878A>T on transcript NM_032043.3 (MANE Select); coding-DNA position 878, A replaced by T.
Protein change: p.Asn293Ile; replaces asparagine 293 with isoleucine.
Molecular consequence: missense variant.
Genome position (GRCh38, 1-based): chr17:61,808,507, T>A on the plus strand (A>T on the coding strand, the complement: BRIP1 is on the minus strand). VCF-style: chr17-61808507-T-A. GRCh37 (hg19) VCF-style: chr17-59885868-T-A.
Other names: short protein forms N293I.
Identifiers: ClinVar variation 3482476 (VCV003482476.1).